The following is an entry in ClinVar:

ClinVar aggregate classification (germline): Uncertain significance. Review status: criteria provided, single submitter (1 of 4 stars). 2 submissions from 2 submitters: Uncertain significance (1). 1 of the submissions does not count toward it. Last evaluated 2026-07-23.

Conditions:
CDH23-related disorder. Also called: CDH23-related disorders; CDH23-related condition.
Usher syndrome type 1 (USH1). Also called: RETINITIS PIGMENTOSA AND CONGENITAL DEAFNESS. Identifiers: Orphanet 231169, Orphanet 886, MedGen C1568247, MONDO:0010168, OMIM 276900.

gnomAD v4.1: 22 of 1,613,686 alleles (0.0014%); highest among the groups gnomAD compares: Non-Finnish European, 0.0019%; no homozygotes.

Submissions (2):

PreventionGenetics, part of Exact Sciences
Classification: Uncertain significance for CDH23-related condition. Last evaluated: 2026-07-23. Review status: criteria provided, single submitter. Criteria: ACMG Guidelines, 2015. Collection method: clinical testing. Allele origin: germline.
Comment: The CDH23 c.1930A>G variant is predicted to result in the amino acid substitution p.Met644Val. To our knowledge, this variant has not been reported in the literature or in a large population database (gnomAD), indicating this variant is rare. At this time, the clinical significance of this variant is uncertain due to the absence of conclusive functional and genetic evidence.

Natera, Inc.
Classification: Uncertain significance for Usher syndrome type 1. Last evaluated: 2025-04-10. Review status: no assertion criteria provided. Collection method: clinical testing. Allele origin: germline. Not counted in ClinVar's aggregate classification.

NM_022124.6(CDH23):c.1930A>G (p.Met644Val)

Gene: CDH23 (cadherin related 23; plus strand). Cytogenetic location: 10q22.1.
Variant type: single nucleotide variant.
Coding change: c.1930A>G on transcript NM_022124.6 (MANE Select); coding-DNA position 1930, A replaced by G.
Protein change: p.Met644Val; replaces methionine 644 with valine.
Molecular consequence: missense variant.
Genome position (GRCh38, 1-based): chr10:71,682,516, A>G. VCF-style: chr10-71682516-A-G. GRCh37 (hg19) VCF-style: chr10-73442273-A-G.
Other names: c.1930A>G, p.Met644Val (NM_001171930.2, NM_001171931.2); short protein forms M644V.
Identifiers: ClinVar variation 4064072 (VCV004064072.2).
Genomic context (GRCh38, chr10:71,682,516, plus strand): 5'-AGTCGCCCCCTGGATTATGAACAGATATCCAATGGGCTGATTTATCTGACGGTCATGGCC[A>G]TGGATGCTGGCAACCCCCCTCTCAACAGCACCGTCCCTGTCACCATCGAGGTGTTTGTAA-3'
Protein context (NP_071407.4, residues 634-654): NGLIYLTVMA[Met644Val]DAGNPPLNST